The following is an entry in ClinVar:

ClinVar aggregate classification (germline): Uncertain significance (1 of 4 stars; one submission).

Conditions:
Nemaline myopathy 8 (NEM8). Also called: Nemaline myopathy 8, autosomal recessive. Identifiers: Orphanet 171430, MedGen C3809209, MONDO:0014138, OMIM 615348.

Submission:

Labcorp Genetics (formerly Invitae), Labcorp
Classification: Uncertain significance for Nemaline myopathy 8. Last evaluated: 2022-03-04. Review status: criteria provided, single submitter. Criteria: Invitae Variant Classification Sherloc (09022015). Collection method: clinical testing. Allele origin: germline.
Comment: This sequence change replaces arginine, which is basic and polar, with serine, which is neutral and polar, at codon 147 of the KLHL40 protein (p.Arg147Ser). This variant is not present in population databases (gnomAD no frequency). This variant has not been reported in the literature in individuals affected with KLHL40-related conditions. Algorithms developed to predict the effect of missense changes on protein structure and function (SIFT, PolyPhen-2, Align-GVGD) all suggest that this variant is likely to be disruptive. In summary, the available evidence is currently insufficient to determine the role of this variant in disease. Therefore, it has been classified as a Variant of Uncertain Significance.

NM_152393.4(KLHL40):c.439C>A (p.Arg147Ser)

Gene: KLHL40 (kelch like family member 40; plus strand). Cytogenetic location: 3p22.1.
Variant type: single nucleotide variant.
Coding change: c.439C>A on transcript NM_152393.4 (MANE Select); coding-DNA position 439, C replaced by A.
Protein change: p.Arg147Ser; replaces arginine 147 with serine.
Molecular consequence: missense variant.
Genome position (GRCh38, 1-based): chr3:42,686,057, C>A. VCF-style: chr3-42686057-C-A. GRCh37 (hg19) VCF-style: chr3-42727549-C-A.
Other names: short protein forms R147S.
Identifiers: ClinVar variation 2106780 (VCV002106780.4), dbSNP rs1200091429, ClinGen allele CA352289417.